The following is an entry in ClinVar:

NM_001009944.3(PKD1):c.1606G>A (p.Gly536Ser)

Gene: PKD1 (polycystin 1, transient receptor potential channel interacting; minus strand). Cytogenetic location: 16p13.3.
Variant type: single nucleotide variant.
Coding change: c.1606G>A on transcript NM_001009944.3 (MANE Select); coding-DNA position 1606, G replaced by A.
Protein change: p.Gly536Ser; replaces glycine 536 with serine.
Molecular consequence: missense variant.
Genome position (GRCh38, 1-based): chr16:2,116,833, C>T on the plus strand (G>A on the coding strand, the complement: PKD1 is on the minus strand). VCF-style: chr16-2116833-C-T. GRCh37 (hg19) VCF-style: chr16-2166834-C-T.
Other names: c.1606G>A, p.Gly536Ser (NM_000296.4); short protein forms G536S.
Identifiers: ClinVar variation 433947 (VCV000433947.5), dbSNP rs1555458683, ClinGen allele CA394391653.
Genomic context (GRCh38, chr16:2,116,833, plus strand): 5'-CGCTCGGCAGGCCCCTAACCACAGCCAGCGTCTCAGGCCCCTGCCTGGCCCCCCGCACAC[C>T]TCCGGGCTGCAGCTCGCAGACGTAGCTGTGCGGCGCTGAGCACAGGTCGGTGTTACACCA-3'
Protein context (NP_001009944.3, residues 526-546): HSYVCELQPG[Gly536Ser]PVQDAENLLV

ClinVar aggregate classification (germline): Conflicting classifications of pathogenicity. Review status: criteria provided, conflicting classifications (1 of 4 stars). 3 submissions from 3 submitters: Likely pathogenic (1); Uncertain significance (2). Last evaluated 2025-07-29.

Conditions:
Polycystic kidney disease, adult type (PKD1). Also called: POLYCYSTIC KIDNEY DISEASE, ADULT, TYPE I; Polycystic Kidney, Autosomal Dominant; POLYCYSTIC KIDNEY DISEASE 1 WITH OR WITHOUT POLYCYSTIC LIVER DISEASE; Polycystic Kidney Disease 1, Autosomal Dominant; Polycystic kidney disease 1; Polycystic kidney disease 1, severe. Identifiers: MedGen C3149841, MONDO:0008263, OMIM 173900.

Submissions (3):

Victorian Clinical Genetics Services, Murdoch Childrens Research Institute
Classification: Likely pathogenic for Polycystic kidney disease, adult type. Last evaluated: 2025-07-29. Review status: criteria provided, single submitter. Criteria: ACMG Guidelines, 2015. Collection method: clinical testing. Allele origin: germline. Affected: yes.
Comment: This variant is classified as Likely pathogenic. Evidence in support of pathogenic classification: Variant is absent from gnomAD (v2, v3 and v4); Abnormal splicing is predicted by in silico tools and affected nucleotide is highly conserved. This amino acid change has conflicting in silico predictions and uninformative conservation; Additional information: Variant is predicted to result in a missense amino acid change from glycine to serine. This variant affects the last nucleotide of an exon and therefore, may affect splicing; This variant is heterozygous; This gene is associated with autosomal dominant disease. Polycystic kidney disease 1 (MIM#173900) is predominantly caused by monoallelic variants, with rare reports of biallelic variants causing disease (OMIM); An alternative amino acid change at the same position has been observed in gnomAD (v4; 1 heterozygote, 0 homozygotes); Previous reports of pathogenicity for this variant are conflicting. This variant has been reported twice as a VUS (PMID: 27499327, ClinVar) and once as likely pathogenic; No published evidence of segregation with disease has been identified for this variant; No published functional evidence has been identified for this variant; No comparable missense variants have previous evidence for pathogenicity; Variant is not located in an established domain, motif, hotspot or informative constraint region; Loss of function is a known mechanism of disease in this gene and is associated with polycystic kidney disease 1 (MIM#173900).

Department of Pathology and Laboratory Medicine, Sinai Health System
Classification: Uncertain significance. Review status: criteria provided, single submitter. Criteria: ACMG Guidelines, 2015. Collection method: clinical testing. Allele origin: germline. Affected: yes. Study: The Canadian Open Genetics Repository (COGR).

Juno Genomics, Hangzhou Juno Genomics, Inc
Classification: Uncertain significance for Polycystic kidney disease, adult type. Review status: criteria provided, single submitter. Criteria: ACMG Guidelines, 2015. Collection method: clinical testing. Allele origin: germline. Affected: yes.
Comment: Absent from controls (or at extremely low frequency if recessive) in Genome Aggregation Database.;Multiple lines of computational evidence support a deleterious effect on the gene or gene product.;The prevalence of the variant in affected individuals is significantly increased compared to the prevalence in controls.;Patient's phenotype or family history is highly specific for a disease with a single genetic etiology.

Literature cited by the submitters: PubMed 27499327 (cited by Victorian Clinical Genetics Services, Murdoch Childrens Research Institute).